The following is an entry in ClinVar:

NM_000093.5(COL5A1):c.3294T>C (p.Ala1098=)

Gene: COL5A1 (collagen type V alpha 1 chain; plus strand). Cytogenetic location: 9q34.3.
Variant type: single nucleotide variant.
Coding change: c.3294T>C on transcript NM_000093.5 (MANE Select); coding-DNA position 3294, T replaced by C.
Protein change: p.Ala1098=; no amino-acid change (alanine 1098 retained).
Molecular consequence: synonymous variant.
Genome position (GRCh38, 1-based): chr9:134,806,224, T>C. VCF-style: chr9-134806224-T-C. GRCh37 (hg19) VCF-style: chr9-137698070-T-C.
Other names: p.Ala1098=; c.3294T>C, p.Ala1098= (NM_001278074.1).
Identifiers: ClinVar variation 513415 (VCV000513415.14), dbSNP rs949276689, ClinGen allele CA201081910.

ClinVar aggregate classification (germline): Likely benign. Review status: criteria provided, multiple submitters, no conflicts (2 of 4 stars). 4 submissions from 4 submitters: Likely benign (4). Last evaluated 2025-12-16.

Conditions:
Familial thoracic aortic aneurysm and aortic dissection (TAAD). Also called: Thoracic aortic aneurysms and dissections. Identifiers: Orphanet 91387, MedGen C4707243, MONDO:0019625.
Ehlers-Danlos syndrome, classic type, 1 (EDSCL1). Also called: Ehlers-Danlos Syndrome, Classic Type, COL5A1-Related; EDS I; Ehlers-Danlos syndrome, type 1; EHLERS-DANLOS SYNDROME, GRAVIS TYPE; EHLERS-DANLOS SYNDROME, SEVERE CLASSIC TYPE. Identifiers: MedGen C0268335, MONDO:0019567, OMIM 130000.

Allele frequency attached by ClinVar (database versions not stated): gnomAD exomes 0.00001 and 0.00003; TOPMed 0.00004; gnomAD 0.00001.
gnomAD v4.1: 21 of 1,550,540 alleles (0.0014%); highest among the groups gnomAD compares: Admixed American, 0.002%; no homozygotes.

Submissions (4):

Labcorp Genetics (formerly Invitae), Labcorp
Classification: Likely benign for Ehlers-Danlos syndrome, classic type, 1. Last evaluated: 2025-12-16. Review status: criteria provided, single submitter. Criteria: Invitae Variant Classification Sherloc (09022015). Collection method: clinical testing. Allele origin: germline.

Mayo Clinic Laboratories, Mayo Clinic
Classification: Likely benign. Last evaluated: 2025-03-31. Review status: criteria provided, single submitter. Criteria: ACMG Guidelines, 2015. Collection method: clinical testing. Allele origin: germline. Observed: 2 variant alleles.
Comment: BP4, BP7

Ambry Genetics
Classification: Likely benign for Familial thoracic aortic aneurysm and aortic dissection. Last evaluated: 2019-06-12. Review status: criteria provided, single submitter. Criteria: Ambry Variant Classification Scheme 2023. Collection method: clinical testing. Allele origin: germline.

GeneDx
Classification: Likely benign. Last evaluated: 2017-11-20. Review status: criteria provided, single submitter. Criteria: GeneDx Variant Classification (06012015). Collection method: clinical testing. Allele origin: germline. Affected: yes.
Comment: This variant is considered likely benign or benign based on one or more of the following criteria: it is a conservative change, it occurs at a poorly conserved position in the protein, it is predicted to be benign by multiple in silico algorithms, and/or has population frequency not consistent with disease.